The following is an entry in ClinVar:

ClinVar aggregate classification (germline): Uncertain significance (1 of 4 stars; one submission).

Conditions:
Hereditary pancreatitis (PCTT). Also called: Hereditary chronic pancreatitis; PRSS1-Related Hereditary Pancreatitis. Identifiers: Orphanet 676, MedGen C0238339, MONDO:0008185, OMIM 167800.

Submission:

Ambry Genetics
Classification: Uncertain significance for Hereditary pancreatitis. Last evaluated: 2024-08-22. Review status: criteria provided, single submitter. Criteria: Ambry Variant Classification Scheme 2023. Collection method: clinical testing. Allele origin: germline.
Comment: The c.788-3C>G intronic variant results from a C to G substitution 3 nucleotides upstream from coding exon 8 in the CPA1 gene. This nucleotide position is well conserved in available vertebrate species. In silico splice site analysis predicts that this alteration will weaken the native splice acceptor site and will result in the creation or strengthening of a novel splice acceptor site. Based on the available evidence, the clinical significance of this variant remains unclear.

NM_001868.4(CPA1):c.788-3C>G

Gene: CPA1 (carboxypeptidase A1; plus strand). Cytogenetic location: 7q32.2.
Variant type: single nucleotide variant.
Coding change: c.788-3C>G on transcript NM_001868.4 (MANE Select); 3 bases into the intron before coding-DNA position 788, C replaced by G.
Molecular consequence: intron variant.
Genome position (GRCh38, 1-based): chr7:130,385,143, C>G. VCF-style: chr7-130385143-C-G. GRCh37 (hg19) VCF-style: chr7-130024984-C-G.
Identifiers: ClinVar variation 3496187 (VCV003496187.1).
Genomic context (GRCh38, chr7:130,385,143, plus strand): 5'-CTGGATTCCAGAAGCCACAGAAGCTGGAGGAGCCACACCGCCATGCCCTCTGTCCCCCCA[C>G]AGTGTCCGGAGCCAGCAGTAACCCCTGCTCGGAGACTTACCACGGCAAGTTTGCCAATTC-3'